The following is an entry in ClinVar:

NM_000059.4(BRCA2):c.1108G>A (p.Val370Ile)

Gene: BRCA2 (BRCA2 DNA repair associated; plus strand). Cytogenetic location: 13q13.1.
Variant type: single nucleotide variant.
Coding change: c.1108G>A on transcript NM_000059.4 (MANE Select); coding-DNA position 1108, G replaced by A.
Protein change: p.Val370Ile; replaces valine 370 with isoleucine.
Molecular consequence: missense variant.
Genome position (GRCh38, 1-based): chr13:32,332,586, G>A. VCF-style: chr13-32332586-G-A. GRCh37 (hg19) VCF-style: chr13-32906723-G-A.
Other names: c.1108G>A, p.Val370Ile (NM_001406719.1, NM_001406720.1, NM_001406721.1); short protein forms V370I.
Identifiers: ClinVar variation 1721372 (VCV001721372.7), dbSNP rs2137467717, ClinGen allele CA387761590.
Genomic context (GRCh38, chr13:32,332,586, plus strand): 5'-GAAAAATACTCATTTGTATCTGAAGTGGAACCAAATGATACTGATCCATTAGATTCAAAT[G>A]TAGCAAATCAGAAGCCCTTTGAGAGTGGAAGTGACAAAATCTCCAAGGAAGTTGTACCGT-3'
Protein context (NP_000050.3, residues 360-380): PNDTDPLDSN[Val370Ile]ANQKPFESGS

ClinVar aggregate classification (germline): Conflicting classifications of pathogenicity. Review status: criteria provided, conflicting classifications (1 of 4 stars). 2 submissions from 2 submitters: Uncertain significance (1); Likely benign (1). Last evaluated 2023-03-23.

Conditions:
Hereditary cancer-predisposing syndrome. Also called: Hereditary neoplastic syndrome; Neoplastic Syndromes, Hereditary; Hereditary Cancer Syndrome; Tumor predisposition. Identifiers: Orphanet 140162, MedGen C0027672, MeSH D009386, MONDO:0015356.
Hereditary breast ovarian cancer syndrome. Also called: BRCA1- and BRCA2-Associated Hereditary Breast and Ovarian Cancer; Hereditary breast and ovarian cancer syndrome (HBOC); Hereditary breast and/or ovarian cancer syndrome; Hereditary breast and ovarian cancer syndrome; Hereditary breast and ovarian cancer; Breast and ovarian cancer. Identifiers: Orphanet 145, MedGen C0677776, MeSH D061325, MONDO:0003582. Disease mechanism: loss of function.

gnomAD v4.1: 1 of 1,613,666 alleles (0.000062%); no homozygotes.

Submissions (2):

University of Washington Department of Laboratory Medicine, University of Washington
Classification: Likely benign for Hereditary cancer-predisposing syndrome. Last evaluated: 2023-03-23. Review status: criteria provided, single submitter. Criteria: Dines et al. (Genet Med. 2020). Collection method: curation. Allele origin: germline.
Comment: Missense variant in a coldspot region where missense variants are very unlikely to be pathogenic (PMID:31911673).

BRCA2 exon 10 coldspot. Reclassification based on statistical prior probability.

Labcorp Genetics (formerly Invitae), Labcorp
Classification: Uncertain significance for Hereditary breast ovarian cancer syndrome. Last evaluated: 2022-10-10. Review status: criteria provided, single submitter. Criteria: Invitae Variant Classification Sherloc (09022015). Collection method: clinical testing. Allele origin: germline.
Comment: This variant has not been reported in the literature in individuals affected with BRCA2-related conditions. In summary, the available evidence is currently insufficient to determine the role of this variant in disease. Therefore, it has been classified as a Variant of Uncertain Significance. Advanced modeling of protein sequence and biophysical properties (such as structural, functional, and spatial information, amino acid conservation, physicochemical variation, residue mobility, and thermodynamic stability) performed at Invitae indicates that this missense variant is not expected to disrupt BRCA2 protein function. This variant is not present in population databases (gnomAD no frequency). This sequence change replaces valine, which is neutral and non-polar, with isoleucine, which is neutral and non-polar, at codon 370 of the BRCA2 protein (p.Val370Ile).